The following is an entry in ClinVar:

NM_178452.6(DNAAF1):c.1616T>C (p.Leu539Pro)

Gene: DNAAF1 (dynein axonemal assembly factor 1; plus strand). Cytogenetic location: 16q24.1.
Variant type: single nucleotide variant.
Coding change: c.1616T>C on transcript NM_178452.6 (MANE Select); coding-DNA position 1616, T replaced by C.
Protein change: p.Leu539Pro; replaces leucine 539 with proline.
Molecular consequence: missense variant.
Genome position (GRCh38, 1-based): chr16:84,172,347, T>C. VCF-style: chr16-84172347-T-C. GRCh37 (hg19) VCF-style: chr16-84205953-T-C.
Other names: c.908T>C, p.Leu303Pro (NM_001318756.1); short protein forms L539P, L303P.
Identifiers: ClinVar variation 262943 (VCV000262943.33), dbSNP rs141149453, ClinGen allele CA8202935.

ClinVar aggregate classification (germline): Benign/Likely benign. Review status: criteria provided, multiple submitters, no conflicts (2 of 4 stars). 8 submissions from 8 submitters: Benign (5); Likely benign (3). Last evaluated 2025-12-03.

Conditions:
Primary ciliary dyskinesia. Also called: Ciliary dyskinesia. Identifiers: Orphanet 244, MedGen C0008780, MONDO:0016575, HP:0012265.
Primary ciliary dyskinesia 13. Also called: CILIARY DYSKINESIA, PRIMARY, 13, WITH OR WITHOUT SITUS INVERSUS. Identifiers: Orphanet 244, MedGen C2750790, MONDO:0013174, OMIM 613193.

Allele frequency attached by ClinVar (database versions not stated): gnomAD exomes 0.00040 and 0.00102; ExAC 0.00134; gnomAD 0.00409 and 0.00430; TOPMed 0.00441; ESP Exome Variant Server 0.00454; 1000 Genomes Project 0.00619; 1000 Genomes Project 30x 0.00718.
gnomAD v4.1: 1,259 of 1,614,210 alleles (0.078%); highest among the groups gnomAD compares: African/African-American, 1.5%; 10 homozygotes.

Submissions (8):

Labcorp Genetics (formerly Invitae), Labcorp
Classification: Benign for Primary ciliary dyskinesia. Last evaluated: 2025-12-03. Review status: criteria provided, single submitter. Criteria: Invitae Variant Classification Sherloc (09022015). Collection method: clinical testing. Allele origin: germline.

Blueprint Genetics
Classification: Likely benign. Last evaluated: 2024-10-24. Review status: criteria provided, single submitter. Criteria: ACMG Guidelines, 2015. Collection method: clinical testing. Allele origin: germline.

ARUP Laboratories, Molecular Genetics and Genomics, ARUP Laboratories
Classification: Benign for Primary ciliary dyskinesia 13. Last evaluated: 2024-01-03. Review status: criteria provided, single submitter. Criteria: ARUP Molecular Germline Variant Investigation Process 2024. Collection method: clinical testing. Allele origin: germline.

Illumina Laboratory Services, Illumina
Classification: Likely benign for Primary ciliary dyskinesia 13. Last evaluated: 2018-01-13. Review status: criteria provided, single submitter. Criteria: ICSL Variant Classification Criteria 13 December 2019. Collection method: clinical testing. Allele origin: germline.
Comment: This variant was observed in the ICSL laboratory as part of a predisposition screen in an ostensibly healthy population. It had not been previously curated by ICSL or reported in the Human Gene Mutation Database (HGMD: prior to June 1st, 2018), and was therefore a candidate for classification through an automated scoring system. Utilizing variant allele frequency, disease prevalence and penetrance estimates, and inheritance mode, an automated score was calculated to assess if this variant is too frequent to cause the disease. Based on the score and internal cut-off values, a variant classified as likely benign is not then subjected to further curation. The score for this variant resulted in a classification of likely benign for this disease.

Ambry Genetics
Classification: Benign for Primary ciliary dyskinesia. Last evaluated: 2015-08-03. Review status: criteria provided, single submitter. Criteria: Ambry Variant Classification Scheme 2023. Collection method: clinical testing. Allele origin: germline.

Laboratory for Molecular Medicine, Mass General Brigham Personalized Medicine
Classification: Benign. Last evaluated: 2013-02-21. Review status: criteria provided, single submitter. Criteria: LMM Criteria. Collection method: clinical testing. Allele origin: germline. Observed: 1 variant allele.
Comment: Leu539Pro in exon 9 of DNAAF1: This variant is not expected to have clinical sig nificance because it has been identified in 1.3% (56/4400) of African American c hromosomes from a broad population by the NHLBI Exome Sequencing Project (dbSNP rs141149453).

Breakthrough Genomics
Classification: Likely benign. Review status: criteria provided, single submitter. Criteria: ACMG Guidelines, 2015. Collection method: not provided. Allele origin: germline. Inheritance: Autosomal recessive inheritance. Affected: yes.

PreventionGenetics, part of Exact Sciences
Classification: Benign. Review status: criteria provided, single submitter. Criteria: ACMG Guidelines, 2015. Collection method: clinical testing. Allele origin: germline.